The following is an entry in ClinVar:

NM_012200.4(B3GAT3):c.313C>T (p.Arg105Trp)

Gene: B3GAT3 (beta-1,3-glucuronyltransferase 3; minus strand). Cytogenetic location: 11q12.3.
Variant type: single nucleotide variant.
Coding change: c.313C>T on transcript NM_012200.4 (MANE Select); coding-DNA position 313, C replaced by T.
Protein change: p.Arg105Trp; replaces arginine 105 with tryptophan.
Molecular consequence: missense variant. On other transcripts: non-coding transcript variant (1).
Genome position (GRCh38, 1-based): chr11:62,617,292, G>A on the plus strand (C>T on the coding strand, the complement: B3GAT3 is on the minus strand). VCF-style: chr11-62617292-G-A. GRCh37 (hg19) VCF-style: chr11-62384764-G-A.
Other names: c.292C>T, p.Arg98Trp (NM_001288721.2); c.313C>T, p.Arg105Trp (NM_001288722.2, NM_001288723.2); c.313C>T (NM_012200.3); short protein forms R105W, R98W.
Identifiers: ClinVar variation 2141532 (VCV002141532.2), dbSNP rs377176891, ClinGen allele CA223039390.
Genomic context (GRCh38, chr11:62,617,292, plus strand): 5'-GCAGCCCTGAGACCAGCGGGGTGGGACCCTCAGCATCCTCCACCAGCAGCCAATGCAGCC[G>A]GGGCACCAGGCTCAGTGTCTGGGACAGTCGTACCAGCTCTGCCTTCTGTACCAGCCTGCA-3'
Protein context (NP_036332.2, residues 95-115): RLSQTLSLVP[Arg105Trp]LHWLLVEDAE

ClinVar aggregate classification (germline): Uncertain significance. Review status: criteria provided, multiple submitters, no conflicts (2 of 4 stars). 2 submissions from 2 submitters: Uncertain significance (2). Last evaluated 2025-06-03.

Conditions:
Larsen-like syndrome, B3GAT3 type. Also called: MULTIPLE JOINT DISLOCATIONS, SHORT STATURE, AND CRANIOFACIAL DYSMORPHISM WITH OR WITHOUT CONGENITAL HEART DEFECTS; Multiple joint dislocations, short stature, craniofacial dysmorphism, with or without congenital heart defects. Identifiers: Orphanet 284139, MedGen CN034159, MONDO:0009511, OMIM 245600.
Inborn genetic diseases. Identifiers: MedGen C0950123, MeSH D030342.

Allele frequency attached by ClinVar (database versions not stated): gnomAD exomes 0.00002; gnomAD 0.00003; TOPMed 0.00003; ESP Exome Variant Server 0.00008.
gnomAD v4.1: 34 of 1,613,288 alleles (0.0021%); highest among the groups gnomAD compares: Non-Finnish European, 0.0026%; no homozygotes.

Submissions (2):

Ambry Genetics
Classification: Uncertain significance for Inborn genetic diseases. Last evaluated: 2025-06-03. Review status: criteria provided, single submitter. Criteria: Ambry Variant Classification Scheme 2023. Collection method: clinical testing. Allele origin: germline.

Labcorp Genetics (formerly Invitae), Labcorp
Classification: Uncertain significance for Larsen-like syndrome, B3GAT3 type. Last evaluated: 2022-01-16. Review status: criteria provided, single submitter. Criteria: Invitae Variant Classification Sherloc (09022015). Collection method: clinical testing. Allele origin: germline.
Comment: This sequence change replaces arginine, which is basic and polar, with tryptophan, which is neutral and slightly polar, at codon 105 of the B3GAT3 protein (p.Arg105Trp). This variant is present in population databases (rs377176891, gnomAD 0.03%). This variant has not been reported in the literature in individuals affected with B3GAT3-related conditions. Algorithms developed to predict the effect of missense changes on protein structure and function are either unavailable or do not agree on the potential impact of this missense change (SIFT: "Deleterious"; PolyPhen-2: "Benign"; Align-GVGD: "Class C15"). In summary, the available evidence is currently insufficient to determine the role of this variant in disease. Therefore, it has been classified as a Variant of Uncertain Significance.